The following is an entry in ClinVar:

ClinVar aggregate classification (germline): Uncertain significance (1 of 4 stars; one submission).

Submission:

Women's Health and Genetics/Laboratory Corporation of America, LabCorp
Classification: Uncertain significance. Last evaluated: 2026-02-13. Review status: criteria provided, single submitter. Criteria: LabCorp Variant Classification Summary - May 2015. Collection method: clinical testing. Allele origin: germline.
Comment: Variant summary: CLCN1 c.1727C>A (p.Ser576Tyr) results in a non-conservative amino acid change in the encoded protein sequence. Algorithms developed to predict the effect of missense changes on protein structure and function all suggest that this variant is likely to be disruptive. The variant allele was found at a frequency of 4e-06 in 251118 control chromosomes (gnomAD). The available data on variant occurrences in the general population are insufficient to allow any conclusion about variant significance. To our knowledge, no occurrence of c.1727C>A in individuals affected with CLCN1-related conditions and no experimental evidence demonstrating its impact on protein function have been reported. No submitters have cited clinical-significance assessments for this variant to ClinVar. Based on the evidence outlined above, the variant was classified as uncertain significance.

NM_000083.3(CLCN1):c.1727C>A (p.Ser576Tyr)

Gene: CLCN1 (chloride voltage-gated channel 1; plus strand). Cytogenetic location: 7q34.
Variant type: single nucleotide variant.
Coding change: c.1727C>A on transcript NM_000083.3 (MANE Select); coding-DNA position 1727, C replaced by A.
Protein change: p.Ser576Tyr; replaces serine 576 with tyrosine.
Molecular consequence: missense variant. On other transcripts: non-coding transcript variant (1).
Genome position (GRCh38, 1-based): chr7:143,342,073, C>A. VCF-style: chr7-143342073-C-A. GRCh37 (hg19) VCF-style: chr7-143039166-C-A.
Other names: short protein forms S576Y.
Identifiers: ClinVar variation 4847835 (VCV004847835.1).